The following is an entry in ClinVar:

ClinVar aggregate classification (germline): Uncertain significance. Review status: criteria provided, multiple submitters, no conflicts (2 of 4 stars). 4 submissions from 4 submitters: Uncertain significance (4). Last evaluated 2025-05-31.

Conditions:
Classic or attenuated familial adenomatous polyposis. Identifiers: MedGen CN372698, MONDO:0021057.
Familial adenomatous polyposis 1 (FAP1). Also called: FAMILIAL ADENOMATOUS POLYPOSIS 1, ATTENUATED; POLYPOSIS, ADENOMATOUS INTESTINAL. Identifiers: MedGen C2713442, MONDO:0021056, OMIM 175100. Disease mechanism: loss of function.
Hereditary cancer-predisposing syndrome. Also called: Tumor predisposition; Hereditary Cancer Syndrome; Hereditary neoplastic syndrome; Neoplastic Syndromes, Hereditary. Identifiers: Orphanet 140162, MedGen C0027672, MeSH D009386, MONDO:0015356.

Allele frequency attached by ClinVar (database versions not stated): TOPMed below 0.00001.

Submissions (4):

Ambry Genetics
Classification: Uncertain significance for Hereditary cancer-predisposing syndrome. Last evaluated: 2025-05-31. Review status: criteria provided, single submitter. Criteria: Ambry Variant Classification Scheme 2023. Collection method: clinical testing. Allele origin: germline.
Comment: The p.N22D variant (also known as c.64A>G), located in coding exon 1 of the APC gene, results from an A to G substitution at nucleotide position 64. The asparagine at codon 22 is replaced by aspartic acid, an amino acid with highly similar properties. This amino acid position is highly conserved in available vertebrate species. In addition, in silico predictors for this gene do not accurately predict pathogenicity. Since supporting evidence is limited at this time, the clinical significance of this alteration remains unclear.

Labcorp Genetics (formerly Invitae), Labcorp
Classification: Uncertain significance for Familial adenomatous polyposis 1. Last evaluated: 2024-04-17. Review status: criteria provided, single submitter. Criteria: Invitae Variant Classification Sherloc (09022015). Collection method: clinical testing. Allele origin: germline.
Comment: This sequence change replaces asparagine, which is neutral and polar, with aspartic acid, which is acidic and polar, at codon 22 of the APC protein (p.Asn22Asp). This variant is not present in population databases (gnomAD no frequency). This variant has not been reported in the literature in individuals affected with APC-related conditions. ClinVar contains an entry for this variant (Variation ID: 487008). Advanced modeling of protein sequence and biophysical properties (such as structural, functional, and spatial information, amino acid conservation, physicochemical variation, residue mobility, and thermodynamic stability) performed at Invitae indicates that this missense variant is not expected to disrupt APC protein function with a negative predictive value of 95%. In summary, the available evidence is currently insufficient to determine the role of this variant in disease. Therefore, it has been classified as a Variant of Uncertain Significance.

All of Us Research Program, National Institutes of Health
Classification: Uncertain significance for Classic or attenuated familial adenomatous polyposis. Last evaluated: 2023-05-16. Review status: criteria provided, single submitter. Criteria: ACMG Guidelines, 2015. Collection method: clinical testing. Allele origin: germline. Inheritance: Autosomal dominant inheritance. Observed: 1 variant allele, 1 heterozygote.
Comment: This missense variant replaces asparagine with aspartic acid at codon 22 of the APC protein. Computational prediction suggests that this variant may not impact protein structure and function (internally defined REVEL score threshold <= 0.5, PMID: 27666373). To our knowledge, functional studies have not been reported for this variant. This variant has not been reported in individuals affected with APC-related disorders in the literature. This variant has not been identified in the general population by the Genome Aggregation Database (gnomAD). The available evidence is insufficient to determine the role of this variant in disease conclusively. Therefore, this variant is classified as a Variant of Uncertain Significance.

This study involves interpretation of variants in research participants for the purpose of population health screening. Participant phenotype was not available at the time of variant classification. Additional details can be found in publication PMID: 35346344, PMCID: PMC8962531

Quest Diagnostics Nichols Institute San Juan Capistrano
Classification: Uncertain significance. Last evaluated: 2018-01-02. Review status: criteria provided, single submitter. Criteria: Quest Diagnostics criteria. Collection method: clinical testing. Allele origin: germline.

NM_000038.6(APC):c.64A>G (p.Asn22Asp)

Gene: APC (APC regulator of Wnt signaling pathway; plus strand). Cytogenetic location: 5q22.2.
Variant type: single nucleotide variant.
Coding change: c.64A>G on transcript NM_000038.6 (MANE Select); coding-DNA position 64, A replaced by G.
Protein change: p.Asn22Asp; replaces asparagine 22 with aspartic acid.
Molecular consequence: missense variant. On other transcripts: 5 prime UTR variant (1), intron variant (8).
Genome position (GRCh38, 1-based): chr5:112,754,954, A>G. VCF-style: chr5-112754954-A-G. GRCh37 (hg19) VCF-style: chr5-112090651-A-G.
Other names: c.64A>G, p.Asn22Asp (NM_001127510.3, NM_001354895.2, NM_001354896.2 and 2 more transcripts); c.-972A>G (NM_001354906.2); c.166-11372A>G (NM_001354897.2, NM_001354902.2, NM_001127511.3); c.61-11372A>G (NM_001354898.2, NM_001354904.2); c.-42-11372A>G (NM_001354900.2, NM_001354901.2, NM_001354905.2); short protein forms N22D.
Identifiers: ClinVar variation 487008 (VCV000487008.19), dbSNP rs1415062077, ClinGen allele CA16021480.
Genomic context (GRCh38, chr5:112,754,954, plus strand): 5'-GCTGCAGCTTCATATGATCAGTTGTTAAAGCAAGTTGAGGCACTGAAGATGGAGAACTCA[A>G]ATCTTCGACAAGAGCTAGAAGATAATTCCAATCATCTTACAAAACTGGAAACTGAGGCAT-3'
Protein context (NP_000029.2, residues 12-32): QVEALKMENS[Asn22Asp]LRQELEDNSN